The following is an entry in ClinVar:

ClinVar aggregate classification (germline): Uncertain significance (1 of 4 stars; one submission).

Conditions:
Familial adenomatous polyposis 1 (FAP1). Also called: FAMILIAL ADENOMATOUS POLYPOSIS 1, ATTENUATED; POLYPOSIS, ADENOMATOUS INTESTINAL. Identifiers: MedGen C2713442, MONDO:0021056, OMIM 175100. Disease mechanism: loss of function.

Allele frequency attached by ClinVar (database versions not stated): gnomAD exomes below 0.00001.
gnomAD v4.1: 1 of 1,239,034 alleles (0.000081%); highest among the groups gnomAD compares: Non-Finnish European, 0.00011%; no homozygotes.

Submission:

Labcorp Genetics (formerly Invitae), Labcorp
Classification: Uncertain significance for Familial adenomatous polyposis 1. Last evaluated: 2021-09-01. Review status: criteria provided, single submitter. Criteria: Invitae Variant Classification Sherloc (09022015). Collection method: clinical testing. Allele origin: germline.
Comment: This variant occurs in a non-coding region of the APC gene. It does not change the encoded amino acid sequence of the APC protein. The frequency data for this variant in the population databases is considered unreliable, as metrics indicate insufficient coverage at this position in the ExAC database. This variant has not been reported in the literature in individuals affected with APC-related conditions. Experimental studies and prediction algorithms are not available or were not evaluated, and the functional significance of this variant is currently unknown. In summary, the available evidence is currently insufficient to determine the role of this variant in disease. Therefore, it has been classified as a Variant of Uncertain Significance.

NM_001127511.3(APC):c.-105G>A

Gene: APC (APC regulator of Wnt signaling pathway; plus strand). Cytogenetic location: 5q22.2.
Variant type: single nucleotide variant.
Coding change: c.-105G>A on transcript NM_001127511.3; 105 bases upstream of the start codon, G replaced by A.
Molecular consequence: 5 prime UTR variant. On other transcripts: non-coding transcript variant (2).
Genome position (GRCh38, 1-based): chr5:112,707,613, G>A. VCF-style: chr5-112707613-G-A. GRCh37 (hg19) VCF-style: chr5-112043310-G-A.
Other names: c.-288G>A (NM_001354895.2, NM_001407447.1, NM_001407452.1 and 3 more transcripts); c.-105G>A (NM_001354897.2, NM_001354902.2, NM_001407446.1); c.-55G>A (NM_001407448.1, NM_001407450.1, NM_001407457.1 and 1 more transcripts); c.-79G>A (NM_001407453.1); c.-1323G>A (NM_001407470.1, NM_001407472.1).
Identifiers: ClinVar variation 1063650 (VCV001063650.7), dbSNP rs1337548978, ClinGen allele CA1573442542.